The following is an entry in ClinVar:

NM_022436.3(ABCG5):c.1049C>A (p.Thr350Lys)

Genes: ABCG5 (ATP binding cassette subfamily G member 5; minus strand), DYNC2LI1 (dynein cytoplasmic 2 light intermediate chain 1; plus strand). Cytogenetic location: 2p21.
Variant type: single nucleotide variant.
Coding change: c.1049C>A on transcript NM_022436.3 (MANE Select); coding-DNA position 1049, C replaced by A.
Protein change: p.Thr350Lys; replaces threonine 350 with lysine.
Molecular consequence: missense variant. On other transcripts: intron variant (2).
Genome position (GRCh38, 1-based): chr2:43,824,288, G>T on the plus strand (C>A on the coding strand, the complement: ABCG5 is on the minus strand). VCF-style: chr2-43824288-G-T. GRCh37 (hg19) VCF-style: chr2-44051427-G-T.
Other names: c.*16-3098G>T (NM_001348913.2, NM_001348912.2); short protein forms T350K.
Identifiers: ClinVar variation 3227750 (VCV003227750.1), dbSNP rs148131742, ClinGen allele CA346664606.

ClinVar aggregate classification (germline): Uncertain significance (1 of 4 stars; one submission).

Conditions:
Cardiovascular phenotype. Identifiers: MedGen CN230736.

gnomAD v4.1: 2 of 1,614,180 alleles (0.00012%); highest among the groups gnomAD compares: Non-Finnish European, 0.00017%; no homozygotes.

Submission:

Ambry Genetics
Classification: Uncertain significance for Cardiovascular phenotype. Last evaluated: 2023-11-09. Review status: criteria provided, single submitter. Criteria: Ambry Variant Classification Scheme 2023. Collection method: clinical testing. Allele origin: germline.
Comment: The p.T350K variant (also known as c.1049C>A), located in coding exon 8 of the ABCG5 gene, results from a C to A substitution at nucleotide position 1049. The threonine at codon 350 is replaced by lysine, an amino acid with similar properties. This amino acid position is conserved. In addition, this alteration is predicted to be tolerated by in silico analysis. Since supporting evidence is limited at this time, the clinical significance of this alteration remains unclear.